The following is an entry in ClinVar:

NM_005159.5(ACTC1):c.-13A>G

Genes: GJD2-DT (GJD2 divergent transcript; plus strand), ACTC1 (actin alpha cardiac muscle 1; minus strand). Cytogenetic location: 15q14.
Variant type: single nucleotide variant.
Coding change: c.-13A>G on transcript NM_005159.5 (MANE Select); 13 bases upstream of the start codon, A replaced by G.
Molecular consequence: 5 prime UTR variant.
Genome position (GRCh38, 1-based): chr15:34,794,821, T>C on the plus strand (A>G on the coding strand, the complement: ACTC1 is on the minus strand). VCF-style: chr15-34794821-T-C. GRCh37 (hg19) VCF-style: chr15-35087022-T-C.
Other names: c.-13A>G (NM_001406482.1, NM_001406483.1).
Identifiers: ClinVar variation 3072769 (VCV003072769.1), dbSNP rs2504185794, ClinGen allele CA2825002259.

ClinVar aggregate classification (germline): Uncertain significance (1 of 4 stars; one submission).

Conditions:
Hypertrophic cardiomyopathy. Also called: HYPERTROPHIC MYOCARDIOPATHY. Identifiers: Orphanet 217569, MedGen C0007194, MeSH D002312, MONDO:0005045, HP:0001639.

Submission:

All of Us Research Program, National Institutes of Health
Classification: Uncertain significance for Hypertrophic cardiomyopathy. Last evaluated: 2023-08-15. Review status: criteria provided, single submitter. Criteria: ACMG Guidelines, 2015. Collection method: clinical testing. Allele origin: germline. Inheritance: Autosomal dominant inheritance. Observed: 1 variant allele, 1 heterozygote.
Comment: This variant causes a single nucleotide substitution in the 5' untranslated region of the ACTC1 gene. To our knowledge, functional studies have not been reported for this variant. This variant has not been reported in individuals affected with ACTC1-related disorders in the literature. This variant has not been identified in the general population by the Genome Aggregation Database (gnomAD). The available evidence is insufficient to determine the role of this variant in disease conclusively. Therefore, this variant is classified as a Variant of Uncertain Significance.

This study involves interpretation of variants in research participants for the purpose of population health screening. Participant phenotype was not available at the time of variant classification. Additional details can be found in publication PMID: 35346344, PMCID: PMC8962531